The following is an entry in ClinVar:

ClinVar aggregate classification (germline): Conflicting classifications of pathogenicity. Review status: criteria provided, conflicting classifications (1 of 4 stars). 3 submissions from 3 submitters: Uncertain significance (1); Likely benign (2). Last evaluated 2024-11-22.

Conditions:
Spastic paraplegia. Identifiers: MedGen C0037772, HP:0001258.

Allele frequency attached by ClinVar (database versions not stated): gnomAD exomes 0.00003.
gnomAD v4.1: 35 of 1,159,134 alleles (0.003%); highest among the groups gnomAD compares: Non-Finnish European, 0.0037%; no homozygotes.

Submissions (3):

Labcorp Genetics (formerly Invitae), Labcorp
Classification: Uncertain significance for Spastic paraplegia. Last evaluated: 2024-11-22. Review status: criteria provided, single submitter. Criteria: Invitae Variant Classification Sherloc (09022015). Collection method: clinical testing. Allele origin: germline.
Comment: This sequence change replaces glutamine, which is neutral and polar, with lysine, which is basic and polar, at codon 1559 of the KDM5C protein (p.Gln1559Lys). This variant is not present in population databases (gnomAD no frequency). This variant has not been reported in the literature in individuals affected with KDM5C-related conditions. ClinVar contains an entry for this variant (Variation ID: 1211975). Invitae Evidence Modeling of protein sequence and biophysical properties (such as structural, functional, and spatial information, amino acid conservation, physicochemical variation, residue mobility, and thermodynamic stability) indicates that this missense variant is not expected to disrupt KDM5C protein function with a negative predictive value of 95%. In summary, the available evidence is currently insufficient to determine the role of this variant in disease. Therefore, it has been classified as a Variant of Uncertain Significance.

CeGaT Center for Human Genetics Tuebingen
Classification: Likely benign. Last evaluated: 2024-10-01. Review status: criteria provided, single submitter. Criteria: CeGaT Center For Human Genetics Tuebingen Variant Classification Criteria Version 2. Collection method: clinical testing. Allele origin: germline. Affected: yes. Observed: 1 variant allele.
Comment: KDM5C: BS2

GeneDx
Classification: Likely benign. Last evaluated: 2020-03-05. Review status: criteria provided, single submitter. Criteria: GeneDx Variant Classification Process June 2021. Collection method: clinical testing. Allele origin: germline. Affected: yes.

NM_004187.5(KDM5C):c.4675C>A (p.Gln1559Lys)

Gene: KDM5C (lysine demethylase 5C; minus strand). Cytogenetic location: Xp11.22.
Variant type: single nucleotide variant.
Coding change: c.4675C>A on transcript NM_004187.5 (MANE Select); coding-DNA position 4675, C replaced by A.
Protein change: p.Gln1559Lys; replaces glutamine 1559 with lysine.
Molecular consequence: missense variant. On other transcripts: intron variant (5).
Genome position (GRCh38, 1-based): chrX:53,192,975, G>T on the plus strand (C>A on the coding strand, the complement: KDM5C is on the minus strand). VCF-style: chrX-53192975-G-T. GRCh37 (hg19) VCF-style: chrX-53222157-G-T.
Other names: c.4672C>A, p.Gln1558Lys (NM_001282622.3); c.4666C>A, p.Gln1556Lys (NM_001353978.3); c.4305+462C>A (NM_001353982.2); c.4314+462C>A (NM_001353979.2); c.4308+462C>A (NM_001353981.2, NM_001353984.2); c.4047-138C>A (NM_001146702.2); short protein forms Q1556K, Q1558K, Q1559K.
Identifiers: ClinVar variation 1211975 (VCV001211975.19), dbSNP rs1463790897, ClinGen allele CA413101733.
Genomic context (GRCh38, chrX:53,192,975, plus strand): 5'-CCTTGAGGCCGAGGGGGGTCTCTGTCAGGGTCTGTGCTAGGCTCAGCCACTGTCACAACT[G>T]TTGCTGAGGCGGCTGCTGTGGGCAGGGCAGATGCAGCCGGGGAGTCAGAGTGGAGAAAGG-3'
Protein context (NP_004178.2, residues 1549-1560): LPCPQQPPQQ[Gln1559Lys]L